The following is an entry in ClinVar:

NM_025114.4(CEP290):c.2992-1G>T

Gene: CEP290 (centrosomal protein 290; minus strand). Cytogenetic location: 12q21.32.
Variant type: single nucleotide variant.
Coding change: c.2992-1G>T on transcript NM_025114.4 (MANE Select); the canonical splice acceptor site of the intron before coding-DNA position 2992, G replaced by T.
Molecular consequence: splice acceptor variant.
Genome position (GRCh38, 1-based): chr12:88,097,000, C>A on the plus strand (G>T on the coding strand, the complement: CEP290 is on the minus strand). VCF-style: chr12-88097000-C-A. GRCh37 (hg19) VCF-style: chr12-88490777-C-A.
Identifiers: ClinVar variation 2501259 (VCV002501259.2), dbSNP rs2037480294, ClinGen allele CA386007291.

ClinVar aggregate classification (germline): Likely pathogenic. Review status: criteria provided, multiple submitters, no conflicts (2 of 4 stars). 2 submissions from 2 submitters: Likely pathogenic (2). Last evaluated 2024-06-14.

Conditions:
CEP290-related disorder. Also called: CEP290-related condition; CEP290-related disorders. Identifiers: MedGen CN239314.
Senior-Loken syndrome 6 (SLSN6). Identifiers: Orphanet 3156, MedGen C1857779, MONDO:0012433, OMIM 610189.
Bardet-Biedl syndrome 14 (BBS14). Identifiers: Orphanet 110, MedGen C2673874, MONDO:0014442, OMIM 615991.
Leber congenital amaurosis 10 (LCA10). Identifiers: Orphanet 65, MedGen C1857821, MONDO:0012723, OMIM 611755.
Meckel syndrome, type 4 (MKS4). Also called: MECKEL-GRUBER SYNDROME, TYPE 4. Identifiers: Orphanet 564, MedGen C1970161, MONDO:0012626, OMIM 611134.
Joubert syndrome 5 (JBTS5). Identifiers: Orphanet 2318, MedGen C1857780, MONDO:0012432, OMIM 610188.

Allele frequency attached by ClinVar (database versions not stated): TOPMed below 0.00001; gnomAD 0.00001.

Submissions (2):

Fulgent Genetics
Classification: Likely pathogenic for Joubert syndrome 5; Senior-Loken syndrome 6; Meckel syndrome, type 4; Leber congenital amaurosis 10; Bardet-Biedl syndrome 14. Last evaluated: 2024-06-14. Review status: criteria provided, single submitter. Criteria: ACMG Guidelines, 2015. Collection method: clinical testing. Allele origin: germline.

Women's Health and Genetics/Laboratory Corporation of America, LabCorp
Classification: Likely pathogenic for CEP290-related disorder. Last evaluated: 2023-03-30. Review status: criteria provided, single submitter. Criteria: LabCorp Variant Classification Summary - May 2015. Collection method: clinical testing. Allele origin: germline.
Comment: Variant summary: CEP290 c.2992-1G>T is located in a canonical splice-site and is predicted to affect mRNA splicing resulting in a significantly altered protein due to either exon skipping, shortening, or inclusion of intronic material. Several computational tools predict a significant impact on normal splicing: Four predict the variant abolishes the canonical 3' acceptor site. However, these predictions have yet to be confirmed by functional studies. The variant was absent in 149630 control chromosomes (gnomAD). To our knowledge, no occurrence of c.2992-1G>T in individuals affected with CEP290-Related Disorders and no experimental evidence demonstrating its impact on protein function have been reported. No clinical diagnostic laboratories have submitted clinical-significance assessments for this variant to ClinVar after 2014. Based on the evidence outlined above, the variant was classified as likely pathogenic.